The following is an entry in ClinVar:

ClinVar aggregate classification (germline): Uncertain significance. Review status: criteria provided, multiple submitters, no conflicts (2 of 4 stars). 2 submissions from 2 submitters: Uncertain significance (2). Last evaluated 2026-02-24.

Conditions:
LAMC2-related disorder. Also called: LAMC2-related condition.

Submissions (2):

PreventionGenetics, part of Exact Sciences
Classification: Uncertain significance for LAMC2-related condition. Last evaluated: 2026-02-24. Review status: criteria provided, single submitter. Criteria: ACMG Guidelines, 2015. Collection method: clinical testing. Allele origin: germline.
Comment: The LAMC2 c.2921_2923delAGA variant is predicted to result in an in-frame deletion (p.Lys974del). To our knowledge, this variant has not been reported in the literature. This variant is reported in 0.015% of alleles in individuals of European (Non-Finnish) descent in gnomAD. At this time, the clinical significance of this variant is uncertain due to the absence of conclusive functional and genetic evidence.

Revvity Omics, Revvity
Classification: Uncertain significance. Last evaluated: 2021-04-22. Review status: criteria provided, single submitter. Criteria: ACMG Guidelines, 2015. Collection method: clinical testing. Allele origin: germline.

NM_005562.3(LAMC2):c.2921_2923del (p.Lys974del)

Gene: LAMC2 (laminin subunit gamma 2; plus strand). Cytogenetic location: 1q25.3.
Variant type: Deletion.
Coding change: c.2921_2923del on transcript NM_005562.3 (MANE Select); coding-DNA positions 2921 to 2923, 3 bases deleted (AGA; older notation c.2921_2923delAGA).
Protein change: p.Lys974del; deletes lysine 974.
Molecular consequence: inframe deletion.
Genome position (GRCh38, 1-based): chr1:183,239,415-183,239,417, AGA deleted; deleting any 3 consecutive bases within chr1:183,239,413-183,239,417 gives the same sequence; the c. name uses the placement nearest the transcript's 3' end. VCF-style (leftmost placement, unchanged base first): chr1-183239412-TGAA-T. GRCh37 (hg19) VCF-style: chr1-183208547-TGAA-T.
Other names: c.2921_2923delAGA (NM_005562.2); c.2921_2923del, p.Lys974del (NM_018891.3); short protein forms K974del.
Identifiers: ClinVar variation 2433393 (VCV002433393.4), dbSNP rs746672247, ClinGen allele CA1283103.